The following is an entry in ClinVar:

ClinVar aggregate classification (germline): Likely pathogenic (1 of 4 stars; one submission).

Conditions:
Hereditary cancer-predisposing syndrome. Also called: Neoplastic Syndromes, Hereditary; Hereditary Cancer Syndrome; Tumor predisposition; Hereditary neoplastic syndrome. Identifiers: Orphanet 140162, MedGen C0027672, MeSH D009386, MONDO:0015356.

Submission:

Ambry Genetics
Classification: Likely pathogenic for Hereditary cancer-predisposing syndrome. Last evaluated: 2016-02-18. Review status: criteria provided, single submitter. Criteria: Ambry Variant Classification Scheme 2023. Collection method: clinical testing. Allele origin: germline.
Comment: The c.48+1delG intronic variant results from a deletion of one nucleotide within intron 1 of the PALB2 gene. This variant was not reported in population based cohorts in the following databases: Database of Single Nucleotide Polymorphisms (dbSNP), NHLBI Exome Sequencing Project (ESP), and 1000 Genomes Project. In the ESP, this variant was not observed in 6497 samples (12994 alleles) with coverage at this position. To date, this alteration has been detected with an allele frequency of approximately 0.001% (greater than 130000 alleles tested) in our clinical cohort. This nucleotide position is highly conserved in available vertebrate species. Using the BDGP and ESEfinder splice site prediction tools, this alteration is predicted to abolish the native splice donor site; however, direct evidence is unavailable. Alterations that disrupt the canonical splice donor site are typically deleterious in nature (ACMG Recommendations for Standards for Interpretation and Reporting of Sequence Variations. Revision 2007. Genet Med. 2008;10:294). As such, this variant is classified as likely pathogenic.

NM_024675.4(PALB2):c.48+1del

Gene: PALB2 (partner and localizer of BRCA2; minus strand). Cytogenetic location: 16p12.2.
Variant type: Deletion.
Coding change: c.48+1del on transcript NM_024675.4 (MANE Select); the canonical splice donor site of the intron after coding-DNA position 48, one base deleted (G; older notation c.48+1delG).
Molecular consequence: splice donor variant. On other transcripts: 5 prime UTR variant (2), intron variant (2).
Genome position (GRCh38, 1-based): chr16:23,641,109, C deleted on the plus strand (G on the coding strand, the reverse complement: PALB2 is on the minus strand); the first of 2 consecutive C bases (chr16:23,641,109-23,641,110); deleting either gives the same sequence. VCF-style (leftmost placement, unchanged base first): chr16-23641108-AC-A. GRCh37 (hg19) VCF-style: chr16-23652429-AC-A.
Other names: c.-1695del (NM_001407304.1, NM_001407310.1); c.-838+18del (NM_001407308.1, NM_001407306.1); c.48+1del (NM_001407314.1, NM_001407296.1, NM_001407297.1 and 5 more transcripts); c.-105+1del (NM_001407313.1, NM_001407312.1); c.-972+1del (NM_001407307.1, NM_001407309.1, NM_001407311.1 and 1 more transcripts); c.48+1delG (NM_024675.3).
Identifiers: ClinVar variation 402309 (VCV000402309.5), dbSNP rs1060499829, ClinGen allele CA16609608.